The following is an entry in ClinVar:

ClinVar aggregate classification (germline): Uncertain significance (1 of 4 stars; one submission).

Allele frequency attached by ClinVar (database versions not stated): gnomAD 0.00001.
gnomAD v4.1: 1 of 1,551,842 alleles (0.000064%); highest among the groups gnomAD compares: Non-Finnish European, 0.000087%; no homozygotes.

Submission:

Labcorp Genetics (formerly Invitae), Labcorp
Classification: Uncertain significance. Last evaluated: 2022-02-10. Review status: criteria provided, single submitter. Criteria: Invitae Variant Classification Sherloc (09022015). Collection method: clinical testing. Allele origin: germline.
Comment: In summary, the available evidence is currently insufficient to determine the role of this variant in disease. Therefore, it has been classified as a Variant of Uncertain Significance. Algorithms developed to predict the effect of sequence changes on RNA splicing suggest that this variant may create or strengthen a splice site. Algorithms developed to predict the effect of missense changes on protein structure and function are either unavailable or do not agree on the potential impact of this missense change (SIFT: "Not Available"; PolyPhen-2: "Probably Damaging"; Align-GVGD: "Not Available"). This missense change has been observed in individual(s) with neurodevelopmental disorder (PMID: 28191889). This variant is not present in population databases (gnomAD no frequency). This sequence change replaces alanine, which is neutral and non-polar, with valine, which is neutral and non-polar, at codon 1345 of the UNC80 protein (p.Ala1345Val).

Literature cited by the submitters: PubMed 28191889.

NM_001371986.1(UNC80):c.4028C>T (p.Ala1343Val)

Gene: UNC80 (unc-80 subunit of NALCN channel complex; plus strand). Cytogenetic location: 2q34.
Variant type: single nucleotide variant.
Coding change: c.4028C>T on transcript NM_001371986.1 (MANE Select); coding-DNA position 4028, C replaced by T.
Protein change: p.Ala1343Val; replaces alanine 1343 with valine.
Molecular consequence: missense variant.
Genome position (GRCh38, 1-based): chr2:209,881,012, C>T. VCF-style: chr2-209881012-C-T. GRCh37 (hg19) VCF-style: chr2-210745736-C-T.
Other names: c.4034C>T, p.Ala1345Val (NM_032504.2); c.4019C>T, p.Ala1340Val (NM_182587.4); short protein forms A1343V, A1340V, A1345V.
Identifiers: ClinVar variation 1522598 (VCV001522598.8), dbSNP rs1398699736, ClinGen allele CA350747702.
Genomic context (GRCh38, chr2:209,881,012, plus strand): 5'-ATTTCCTAGGTACTGTGAACCCCTCTAAATGCGGTTGCCCCTTTGCCTTGAAGATGGCAG[C>T]ATGTCAGCTTCTTCTGGAGATTACCACCTTCCTGCGAGAGACCTTTTCTTGCCTGCCCAG-3'
Protein context (NP_001358915.1, residues 1333-1353): CGCPFALKMA[Ala1343Val]CQLLLEITTF